The following is an entry in ClinVar:

ClinVar aggregate classification (germline): Likely benign. Review status: criteria provided, multiple submitters, no conflicts (2 of 4 stars). 8 submissions from 8 submitters: Likely benign (6). 2 of the submissions do not count toward it. Last evaluated 2025-06-01.

Conditions:
Female infertility. Identifiers: MedGen C0021361, MONDO:0021124, HP:0008222.
Abnormal meiosis. Identifiers: MedGen C4531070, HP:0031515.
CENPF-related disorder. Also called: CENPF-related condition.

Allele frequency attached by ClinVar (database versions not stated): gnomAD 0.00188 and 0.00177; TOPMed 0.00201; ESP Exome Variant Server 0.00216; gnomAD exomes 0.00028 and 0.00069; ExAC 0.00080; 1000 Genomes Project 30x 0.00141; 1000 Genomes Project 0.00160.
gnomAD v4.1: 715 of 1,614,122 alleles (0.044%); highest among the groups gnomAD compares: African/African-American, 0.56%; 7 homozygotes.

Submissions (8):

CeGaT Center for Human Genetics Tuebingen
Classification: Likely benign. Last evaluated: 2025-06-01. Review status: criteria provided, single submitter. Criteria: CeGaT Center For Human Genetics Tuebingen Variant Classification Criteria Version 2. Collection method: clinical testing. Allele origin: germline. Affected: yes. Observed: 2 variant alleles.
Comment: CENPF: BP4, BS2

Labcorp Genetics (formerly Invitae), Labcorp
Classification: Likely benign. Last evaluated: 2025-04-18. Review status: criteria provided, single submitter. Criteria: Invitae Variant Classification Sherloc (09022015). Collection method: clinical testing. Allele origin: germline.

Blueprint Genetics
Classification: Likely benign. Last evaluated: 2024-09-23. Review status: criteria provided, single submitter. Criteria: ACMG Guidelines, 2015. Collection method: clinical testing. Allele origin: germline.

GeneDx
Classification: Likely benign. Last evaluated: 2021-05-03. Review status: criteria provided, single submitter. Criteria: GeneDx Variant Classification Process June 2021. Collection method: clinical testing. Allele origin: germline. Affected: yes.

Genetic Services Laboratory, University of Chicago
Classification: Likely benign. Last evaluated: 2018-03-01. Review status: criteria provided, single submitter. Criteria: ACMG Guidelines, 2015. Collection method: clinical testing. Allele origin: germline. Affected: no.

Breakthrough Genomics
Classification: Likely benign. Review status: criteria provided, single submitter. Criteria: ACMG Guidelines, 2015. Collection method: not provided. Allele origin: germline. Inheritance: Autosomal recessive inheritance. Affected: yes.

State Key Laboratory of Reproductive Medicine and Offspring Health, Nanjing Medical University
Classification: Likely pathogenic for Female infertility; Abnormal meiosis. Last evaluated: 2026-03-16. Review status: no assertion criteria provided. Collection method: clinical testing. Allele origin: paternal. Affected: yes. Not counted in ClinVar's aggregate classification.

PreventionGenetics, part of Exact Sciences
Classification: Likely benign for CENPF-related condition. Last evaluated: 2022-05-10. Review status: no assertion criteria provided. Collection method: clinical testing. Allele origin: germline. Not counted in ClinVar's aggregate classification.
Comment: This variant is classified as likely benign based on ACMG/AMP sequence variant interpretation guidelines (Richards et al. 2015 PMID: 25741868, with internal and published modifications).

Literature cited by the submitters: PubMed 40885416 (cited by State Key Laboratory of Reproductive Medicine and Offspring Health, Nanjing Medical University).

NM_016343.4(CENPF):c.2398A>G (p.Ile800Val)

Gene: CENPF (centromere protein F; plus strand). Cytogenetic location: 1q41.
Variant type: single nucleotide variant.
Coding change: c.2398A>G on transcript NM_016343.4 (MANE Select); coding-DNA position 2398, A replaced by G.
Protein change: p.Ile800Val; replaces isoleucine 800 with valine.
Molecular consequence: missense variant.
Genome position (GRCh38, 1-based): chr1:214,640,736, A>G. VCF-style: chr1-214640736-A-G. GRCh37 (hg19) VCF-style: chr1-214814079-A-G.
Other names: short protein forms I800V.
Identifiers: ClinVar variation 434711 (VCV000434711.44), dbSNP rs144034954, ClinGen allele CA1390245.